The following is an entry in ClinVar:

NM_001128840.3(CACNA1D):c.3682G>A (p.Glu1228Lys)

Gene: CACNA1D (calcium voltage-gated channel subunit alpha1 D; plus strand). Cytogenetic location: 3p21.1.
Variant type: single nucleotide variant.
Coding change: c.3682G>A on transcript NM_001128840.3 (MANE Select); coding-DNA position 3682, G replaced by A.
Protein change: p.Glu1228Lys; replaces glutamic acid 1228 with lysine.
Molecular consequence: missense variant.
Genome position (GRCh38, 1-based): chr3:53,753,578, G>A. VCF-style: chr3-53753578-G-A. GRCh37 (hg19) VCF-style: chr3-53787605-G-A.
Other names: c.3742G>A, p.Glu1248Lys (NM_000720.4); c.3682G>A, p.Glu1228Lys (NM_001128839.3); short protein forms E1228K, E1248K.
Identifiers: ClinVar variation 1064978 (VCV001064978.4), dbSNP rs777098313, ClinGen allele CA2454650.
Genomic context (GRCh38, chr3:53,753,578, plus strand): 5'-CATGTGAGATCGTGGCTGAGGCTCTGAGAACGGTCCCTCTGTCTTCATCCATAGCACTAC[G>A]AGCAGTCCAAGATGTTCAATGATGCCATGGACATTCTGAACATGGTCTTCACCGGGGTGT-3'
Protein context (NP_001122312.1, residues 1218-1238): NTLCLAMQHY[Glu1228Lys]QSKMFNDAMD

ClinVar aggregate classification (germline): Uncertain significance. Review status: criteria provided, multiple submitters, no conflicts (2 of 4 stars). 2 submissions from 2 submitters: Uncertain significance (2). Last evaluated 2025-08-10.

Conditions:
Hearing impairment. Also called: Impaired Hearing. Identifiers: MedGen C1384666, MONDO:0005365, HP:0000365.

Allele frequency attached by ClinVar (database versions not stated): gnomAD 0.00001; gnomAD exomes 0.00001; TOPMed 0.00001; ExAC 0.00002.
gnomAD v4.1: 16 of 1,600,416 alleles (0.001%); highest among the groups gnomAD compares: African/African-American, 0.0027%; no homozygotes.

Submissions (2):

Labcorp Genetics (formerly Invitae), Labcorp
Classification: Uncertain significance. Last evaluated: 2025-08-10. Review status: criteria provided, single submitter. Criteria: Invitae Variant Classification Sherloc (09022015). Collection method: clinical testing. Allele origin: germline.
Comment: This sequence change replaces glutamic acid, which is acidic and polar, with lysine, which is basic and polar, at codon 1248 of the CACNA1D protein (p.Glu1248Lys). This variant is present in population databases (rs777098313, gnomAD 0.003%). This variant has not been reported in the literature in individuals affected with CACNA1D-related conditions. ClinVar contains an entry for this variant (Variation ID: 1064978). Invitae Evidence Modeling of protein sequence and biophysical properties (such as structural, functional, and spatial information, amino acid conservation, physicochemical variation, residue mobility, and thermodynamic stability) indicates that this missense variant is not expected to disrupt CACNA1D protein function with a negative predictive value of 80%. In summary, the available evidence is currently insufficient to determine the role of this variant in disease. Therefore, it has been classified as a Variant of Uncertain Significance.

Department of Otolaryngology – Head & Neck Surgery, Cochlear Implant Center
Classification: Uncertain significance for Hearing impairment. Last evaluated: 2021-04-12. Review status: criteria provided, single submitter. Criteria: ClinGen HL ACMG Specifications v1. Collection method: clinical testing. Allele origin: germline. Affected: yes.
Comment: PM2_Moderate, PP3_Supporting